The following is an entry in ClinVar:

ClinVar aggregate classification (germline): Uncertain significance (1 of 4 stars; one submission).

gnomAD v4.1: 4 of 1,609,348 alleles (0.00025%); highest among the groups gnomAD compares: Non-Finnish European, 0.00034%; no homozygotes.

Submission:

GeneDx
Classification: Uncertain significance. Last evaluated: 2023-06-21. Review status: criteria provided, single submitter. Criteria: GeneDx Variant Classification Process June 2021. Collection method: clinical testing. Allele origin: germline. Affected: yes.
Comment: Not observed at significant frequency in large population cohorts (gnomAD); In silico analysis supports a deleterious effect on splicing; Has not been previously published as pathogenic or benign to our knowledge

NM_001349253.2(SCN11A):c.959+5G>C

Gene: SCN11A (sodium voltage-gated channel alpha subunit 11; minus strand). Cytogenetic location: 3p22.2.
Variant type: single nucleotide variant.
Coding change: c.959+5G>C on transcript NM_001349253.2 (MANE Select); 5 bases into the intron after coding-DNA position 959, G replaced by C.
Molecular consequence: intron variant.
Genome position (GRCh38, 1-based): chr3:38,919,930, C>G on the plus strand (G>C on the coding strand, the complement: SCN11A is on the minus strand). VCF-style: chr3-38919930-C-G. GRCh37 (hg19) VCF-style: chr3-38961421-C-G.
Other names: c.959+5G>C (NM_014139.3).
Identifiers: ClinVar variation 3360094 (VCV003360094.1).